The following is an entry in ClinVar:

ClinVar aggregate classification (germline): Benign. Review status: criteria provided, multiple submitters, no conflicts (2 of 4 stars). 2 submissions from 2 submitters: Benign (2). Last evaluated 2018-06-14.

Allele frequency attached by ClinVar (database versions not stated): gnomAD exomes 0.67743 and 0.68480; gnomAD 0.69323; ExAC 0.69460; 1000 Genomes Project 0.69728; 1000 Genomes Project 30x 0.70628; TOPMed 0.71241; ESP Exome Variant Server 0.72218.
gnomAD v4.1: 1,059,413 of 1,558,118 alleles (68%); highest among the groups gnomAD compares: Admixed American, 76%; 361,389 homozygotes.

Submissions (2):

GeneDx
Classification: Benign. Last evaluated: 2018-06-14. Review status: criteria provided, single submitter. Criteria: GeneDx Variant Classification (06012015). Collection method: clinical testing. Allele origin: germline. Affected: yes.
Comment: This variant is considered likely benign or benign based on one or more of the following criteria: it is a conservative change, it occurs at a poorly conserved position in the protein, it is predicted to be benign by multiple in silico algorithms, and/or has population frequency not consistent with disease.

Breakthrough Genomics
Classification: Benign. Review status: criteria provided, single submitter. Criteria: ACMG Guidelines, 2015. Collection method: not provided. Allele origin: germline. Inheritance: Autosomal dominant inheritance. Affected: yes.

NM_000088.4(COL1A1):c.1461+27G>A

Gene: COL1A1 (collagen type I alpha 1 chain; minus strand). Cytogenetic location: 17q21.33.
Variant type: single nucleotide variant.
Coding change: c.1461+27G>A on transcript NM_000088.4 (MANE Select); 27 bases into the intron after coding-DNA position 1461, G replaced by A.
Molecular consequence: intron variant.
Genome position (GRCh38, 1-based): chr17:50,194,694, C>T on the plus strand (G>A on the coding strand, the complement: COL1A1 is on the minus strand). VCF-style: chr17-50194694-C-T. GRCh37 (hg19) VCF-style: chr17-48272055-C-T.
Identifiers: ClinVar variation 674802 (VCV000674802.2), dbSNP rs2253369, ClinGen allele CA8645245.